The following is an entry in ClinVar:

NM_004260.4(RECQL4):c.1620G>A (p.Gln540=)

Gene: RECQL4 (RecQ like helicase 4; minus strand). Cytogenetic location: 8q24.3.
Variant type: single nucleotide variant.
Coding change: c.1620G>A on transcript NM_004260.4 (MANE Select); coding-DNA position 1620, G replaced by A.
Protein change: p.Gln540=; no amino-acid change (glutamine 540 retained).
Molecular consequence: synonymous variant.
Genome position (GRCh38, 1-based): chr8:144,514,936, C>T on the plus strand (G>A on the coding strand, the complement: RECQL4 is on the minus strand). VCF-style: chr8-144514936-C-T. GRCh37 (hg19) VCF-style: chr8-145740320-C-T.
Identifiers: ClinVar variation 964323 (VCV000964323.8), dbSNP rs1827929982, ClinGen allele CA463473844.

ClinVar aggregate classification (germline): Uncertain significance (1 of 4 stars; one submission).

Conditions:
Baller-Gerold syndrome (BGS). Also called: CRANIOSYNOSTOSIS WITH RADIAL DEFECTS. Identifiers: Orphanet 1225, MedGen C0265308, MONDO:0009039, OMIM 218600.

Allele frequency attached by ClinVar (database versions not stated): gnomAD exomes below 0.00001.
gnomAD v4.1: 2 of 1,611,134 alleles (0.00012%); highest among the groups gnomAD compares: Non-Finnish European, 0.00017%; no homozygotes.

Submission:

Labcorp Genetics (formerly Invitae), Labcorp
Classification: Uncertain significance for Baller-Gerold syndrome. Last evaluated: 2022-12-23. Review status: criteria provided, single submitter. Criteria: Invitae Variant Classification Sherloc (09022015). Collection method: clinical testing. Allele origin: germline.
Comment: In summary, the available evidence is currently insufficient to determine the role of this variant in disease. Therefore, it has been classified as a Variant of Uncertain Significance. Variants that disrupt the consensus splice site are a relatively common cause of aberrant splicing (PMID: 17576681, 9536098). Algorithms developed to predict the effect of sequence changes on RNA splicing suggest that this variant may disrupt the consensus splice site. ClinVar contains an entry for this variant (Variation ID: 964323). This variant has not been reported in the literature in individuals affected with RECQL4-related conditions. This variant is not present in population databases (gnomAD no frequency). This sequence change affects codon 540 of the RECQL4 mRNA. It is a 'silent' change, meaning that it does not change the encoded amino acid sequence of the RECQL4 protein. This variant also falls at the last nucleotide of exon 9, which is part of the consensus splice site for this exon.

Literature cited by the submitters: PubMed 17576681; PubMed 9536098.